The following is an entry in ClinVar:

ClinVar aggregate classification (germline): Uncertain significance (1 of 4 stars; one submission).

Conditions:
Hereditary cancer-predisposing syndrome. Also called: Hereditary neoplastic syndrome; Neoplastic Syndromes, Hereditary; Hereditary Cancer Syndrome; Tumor predisposition. Identifiers: Orphanet 140162, MedGen C0027672, MeSH D009386, MONDO:0015356.

Submission:

Labcorp Genetics (formerly Invitae), Labcorp
Classification: Uncertain significance for Hereditary cancer-predisposing syndrome. Last evaluated: 2022-10-17. Review status: criteria provided, single submitter. Criteria: Invitae Variant Classification Sherloc (09022015). Collection method: clinical testing. Allele origin: germline.
Comment: In summary, the available evidence is currently insufficient to determine the role of this variant in disease. Therefore, it has been classified as a Variant of Uncertain Significance. ClinVar contains an entry for this variant (Variation ID: 659618). This variant has not been reported in the literature in individuals affected with RAD50-related conditions. This variant is not present in population databases (gnomAD no frequency). This sequence change creates a premature translational stop signal (p.Ile1289Leufs*12) in the RAD50 gene. While this is not anticipated to result in nonsense mediated decay, it is expected to disrupt the last 24 amino acid(s) of the RAD50 protein.

NM_005732.4(RAD50):c.3864del (p.Ile1289fs)

Genes: TH2LCRR (T helper type 2 locus control region associated RNA; minus strand), RAD50 (RAD50 double strand break repair protein; plus strand). Cytogenetic location: 5q31.1.
Variant type: Deletion.
Coding change: c.3864del on transcript NM_005732.4 (MANE Select); coding-DNA position 3864, one base deleted (G; older notation c.3864delG).
Protein change: p.Ile1289fs; shifts the reading frame from isoleucine 1289.
Molecular consequence: frameshift variant.
Genome position (GRCh38, 1-based): chr5:132,642,289, G deleted; the last of 2 consecutive G bases (chr5:132,642,288-132,642,289); deleting either gives the same sequence. VCF-style (leftmost placement, unchanged base first): chr5-132642287-AG-A. GRCh37 (hg19) VCF-style: chr5-131977979-AG-A.
Other names: short protein forms I1289fs.
Identifiers: ClinVar variation 659618 (VCV000659618.7), dbSNP rs1581025119, ClinGen allele CA915942565.